The following is an entry in ClinVar:

ClinVar aggregate classification (germline): Likely benign. Review status: criteria provided, single submitter (1 of 4 stars). 2 submissions from 2 submitters: Likely benign (1). 1 of the submissions does not count toward it. Last evaluated 2025-12-18.

Conditions:
CSF2RB-related disorder. Also called: CSF2RB-related condition.

Allele frequency attached by ClinVar (database versions not stated): gnomAD 0.00002; ExAC 0.00005; gnomAD exomes 0.00005 and 0.00010; ESP Exome Variant Server 0.00015.
gnomAD v4.1: 151 of 1,613,828 alleles (0.0094%); highest among the groups gnomAD compares: Non-Finnish European, 0.012%; no homozygotes.

Submissions (2):

Labcorp Genetics (formerly Invitae), Labcorp
Classification: Likely benign. Last evaluated: 2025-12-18. Review status: criteria provided, single submitter. Criteria: Invitae Variant Classification Sherloc (09022015). Collection method: clinical testing. Allele origin: germline.

PreventionGenetics, part of Exact Sciences
Classification: Likely benign for CSF2RB-related condition. Last evaluated: 2019-05-15. Review status: no assertion criteria provided. Collection method: clinical testing. Allele origin: germline. Not counted in ClinVar's aggregate classification.
Comment: This variant is classified as likely benign based on ACMG/AMP sequence variant interpretation guidelines (Richards et al. 2015 PMID: 25741868, with internal and published modifications).

NM_000395.3(CSF2RB):c.942G>A (p.Ala314=)

Gene: CSF2RB (colony stimulating factor 2 receptor subunit beta; plus strand). Cytogenetic location: 22q12.3.
Variant type: single nucleotide variant.
Coding change: c.942G>A on transcript NM_000395.3 (MANE Select); coding-DNA position 942, G replaced by A.
Protein change: p.Ala314=; no amino-acid change (alanine 314 retained).
Molecular consequence: synonymous variant.
Genome position (GRCh38, 1-based): chr22:36,930,760, G>A. VCF-style: chr22-36930760-G-A. GRCh37 (hg19) VCF-style: chr22-37326802-G-A.
Other names: c.942G>A (NM_000395.2).
Identifiers: ClinVar variation 1587216 (VCV001587216.10), dbSNP rs138918081, ClinGen allele CA10213652.